The following is an entry in ClinVar:

ClinVar aggregate classification (germline): Uncertain significance (1 of 4 stars; one submission).

Conditions:
Hereditary cancer-predisposing syndrome. Also called: Neoplastic Syndromes, Hereditary; Tumor predisposition; Hereditary neoplastic syndrome; Hereditary Cancer Syndrome. Identifiers: Orphanet 140162, MedGen C0027672, MeSH D009386, MONDO:0015356.

Submission:

Ambry Genetics
Classification: Uncertain significance for Hereditary cancer-predisposing syndrome. Last evaluated: 2024-02-02. Review status: criteria provided, single submitter. Criteria: Ambry Variant Classification Scheme 2023. Collection method: clinical testing. Allele origin: germline.
Comment: The p.V1131L variant (also known as c.3391G>T), located in coding exon 20 of the PTCH1 gene, results from a G to T substitution at nucleotide position 3391. The valine at codon 1131 is replaced by leucine, an amino acid with highly similar properties. This amino acid position is conserved. In addition, the in silico prediction for this alteration is inconclusive. Based on the available evidence, the clinical significance of this alteration remains unclear.

NM_000264.5(PTCH1):c.3391G>T (p.Val1131Leu)

Gene: PTCH1 (patched 1; minus strand). Cytogenetic location: 9q22.32.
Variant type: single nucleotide variant.
Coding change: c.3391G>T on transcript NM_000264.5 (MANE Select); coding-DNA position 3391, G replaced by T.
Protein change: p.Val1131Leu; replaces valine 1131 with leucine.
Molecular consequence: missense variant. On other transcripts: non-coding transcript variant (1).
Genome position (GRCh38, 1-based): chr9:95,453,536, C>A on the plus strand (G>T on the coding strand, the complement: PTCH1 is on the minus strand). VCF-style: chr9-95453536-C-A. GRCh37 (hg19) VCF-style: chr9-98215818-C-A.
Other names: c.3193G>T, p.Val1065Leu (NM_001083602.3); c.3388G>T, p.Val1130Leu (NM_001083603.3); c.2938G>T, p.Val980Leu (NM_001083604.3, NM_001083605.3, NM_001083606.3 and 1 more transcripts); c.3235G>T, p.Val1079Leu (NM_001354918.2); short protein forms V1065L, V1079L, V1130L, V1131L, V980L.
Identifiers: ClinVar variation 3231012 (VCV003231012.1), dbSNP rs566619057, ClinGen allele CA374111764.